The following is an entry in ClinVar:

NM_001097577.3(ANG):c.370T>A (p.Phe124Ile)

Genes: ANG (angiogenin; plus strand), EGILA (EGFR interacting lncRNA; minus strand), RNASE4 (ribonuclease A family member 4; plus strand). Cytogenetic location: 14q11.2.
Variant type: single nucleotide variant.
Coding change: c.370T>A on transcript NM_001097577.3 (MANE Select); coding-DNA position 370, T replaced by A.
Protein change: p.Phe124Ile; replaces phenylalanine 124 with isoleucine.
Molecular consequence: missense variant. On other transcripts: intron variant (4).
Genome position (GRCh38, 1-based): chr14:20,693,934, T>A. VCF-style: chr14-20693934-T-A. GRCh37 (hg19) VCF-style: chr14-21162093-T-A.
Other names: c.370T>A, p.Phe124Ile (NM_001145.4, NM_001385271.1, NM_001385272.1 and 2 more transcripts); c.-18+284T>A (NM_001282192.2); c.-17-5421T>A (NM_002937.5, NM_001282193.2); c.-18+5060T>A (NM_194431.3); short protein forms F124I.
Identifiers: ClinVar variation 2862356 (VCV002862356.3), dbSNP rs373324416, ClinGen allele CA7083186.

ClinVar aggregate classification (germline): Uncertain significance (1 of 4 stars; one submission).

Allele frequency attached by ClinVar (database versions not stated): TOPMed 0.00001; gnomAD exomes 0.00002; gnomAD 0.00003; ExAC 0.00005; ESP Exome Variant Server 0.00023.
gnomAD v4.1: 37 of 1,613,846 alleles (0.0023%); highest among the groups gnomAD compares: Non-Finnish European, 0.003%; 1 homozygote.

Submission:

Labcorp Genetics (formerly Invitae), Labcorp
Classification: Uncertain significance. Last evaluated: 2024-12-12. Review status: criteria provided, single submitter. Criteria: Invitae Variant Classification Sherloc (09022015). Collection method: clinical testing. Allele origin: germline.
Comment: This sequence change replaces phenylalanine, which is neutral and non-polar, with isoleucine, which is neutral and non-polar, at codon 124 of the ANG protein (p.Phe124Ile). This variant is present in population databases (rs373324416, gnomAD 0.006%). This missense change has been observed in individual(s) with amyotrophic lateral sclerosis (PMID: 22190368). This variant is also known as p.Phe100Ile. ClinVar contains an entry for this variant (Variation ID: 2862356). An algorithm developed to predict the effect of missense changes on protein structure and function (PolyPhen-2) suggests that this variant is likely to be tolerated. In summary, the available evidence is currently insufficient to determine the role of this variant in disease. Therefore, it has been classified as a Variant of Uncertain Significance.

Literature cited by the submitters: PubMed 22190368.